The following is an entry in ClinVar:

NM_181741.4(ORC4):c.724G>A (p.Asp242Asn)

Gene: ORC4 (origin recognition complex subunit 4; minus strand). Cytogenetic location: 2q23.1.
Variant type: single nucleotide variant.
Coding change: c.724G>A on transcript NM_181741.4 (MANE Select); coding-DNA position 724, G replaced by A.
Protein change: p.Asp242Asn; replaces aspartic acid 242 with asparagine.
Molecular consequence: missense variant.
Genome position (GRCh38, 1-based): chr2:147,948,089, C>T on the plus strand (G>A on the coding strand, the complement: ORC4 is on the minus strand). VCF-style: chr2-147948089-C-T. GRCh37 (hg19) VCF-style: chr2-148705658-C-T.
Other names: c.724G>A, p.Asp242Asn (NM_001374270.1, NM_002552.5, NM_181742.5 and 1 more transcripts); c.472G>A, p.Asp158Asn (NM_001374272.1, NM_001190881.3); c.502G>A, p.Asp168Asn (NM_001190882.3); short protein forms D242N, D158N, D168N.
Identifiers: ClinVar variation 2861882 (VCV002861882.3), dbSNP rs2467899903, ClinGen allele CA348712787.
Genomic context (GRCh38, chr2:147,948,089, plus strand): 5'-GCTTTATTGCCTTTTAAGATACCTGAACATTTTCATTCCACTTCTCAGCAAAAACCTTGT[C>T]TGGAAACTCTGCAGGTAGAGATAACTGTTCTTTAAATATTTTAACATACTGTGGAAAACC-3'
Protein context (NP_859525.1, residues 232-252): EQLSLPAEFP[Asp242Asn]KVFAEKWNEN

ClinVar aggregate classification (germline): Uncertain significance (1 of 4 stars; one submission).

Allele frequency attached by ClinVar (database versions not stated): gnomAD exomes below 0.00001.
gnomAD v4.1: 1 of 1,612,068 alleles (0.000062%); highest among the groups gnomAD compares: South Asian, 0.0011%; no homozygotes.

Submission:

Labcorp Genetics (formerly Invitae), Labcorp
Classification: Uncertain significance. Last evaluated: 2023-05-03. Review status: criteria provided, single submitter. Criteria: Invitae Variant Classification Sherloc (09022015). Collection method: clinical testing. Allele origin: germline.
Comment: In summary, the available evidence is currently insufficient to determine the role of this variant in disease. Therefore, it has been classified as a Variant of Uncertain Significance. Algorithms developed to predict the effect of missense changes on protein structure and function output the following: SIFT: "Not Available"; PolyPhen-2: "Benign"; Align-GVGD: "Not Available". The asparagine amino acid residue is found in multiple mammalian species, which suggests that this missense change does not adversely affect protein function. This variant is not present in population databases (gnomAD no frequency). This variant has not been reported in the literature in individuals affected with ORC4-related conditions. This sequence change replaces aspartic acid, which is acidic and polar, with asparagine, which is neutral and polar, at codon 242 of the ORC4 protein (p.Asp242Asn).